The following is an entry in ClinVar:

ClinVar aggregate classification (germline): Uncertain significance. Review status: criteria provided, multiple submitters, no conflicts (2 of 4 stars). 2 submissions from 2 submitters: Uncertain significance (2). Last evaluated 2022-11-23.

Conditions:
Neurofibromatosis, type 2 (SWNV). Also called: SCHWANNOMATOSIS, VESTIBULAR; NF2-Related Schwannomatosis; BILATERAL ACOUSTIC NEUROFIBROMATOSIS. Identifiers: Orphanet 637, MedGen C0027832, MONDO:0007039, OMIM 101000. Disease mechanism: loss of function.
Hereditary cancer-predisposing syndrome. Also called: Hereditary Cancer Syndrome; Hereditary neoplastic syndrome; Neoplastic Syndromes, Hereditary; Tumor predisposition. Identifiers: Orphanet 140162, MedGen C0027672, MeSH D009386, MONDO:0015356.

Submissions (2):

Ambry Genetics
Classification: Uncertain significance for Hereditary cancer-predisposing syndrome. Last evaluated: 2022-11-23. Review status: criteria provided, single submitter. Criteria: Ambry Variant Classification Scheme 2023. Collection method: clinical testing. Allele origin: germline.
Comment: The p.L539F variant (also known as c.1615C>T), located in coding exon 15 of the NF2 gene, results from a C to T substitution at nucleotide position 1615. The leucine at codon 539 is replaced by phenylalanine, an amino acid with highly similar properties. This amino acid position is conserved. In addition, this alteration is predicted to be deleterious by in silico analysis. Since supporting evidence is limited at this time, the clinical significance of this alteration remains unclear.

Labcorp Genetics (formerly Invitae), Labcorp
Classification: Uncertain significance for Neurofibromatosis, type 2. Last evaluated: 2022-07-31. Review status: criteria provided, single submitter. Criteria: Invitae Variant Classification Sherloc (09022015). Collection method: clinical testing. Allele origin: germline.
Comment: This variant is not present in population databases (gnomAD no frequency). In summary, the available evidence is currently insufficient to determine the role of this variant in disease. Therefore, it has been classified as a Variant of Uncertain Significance. Algorithms developed to predict the effect of missense changes on protein structure and function are either unavailable or do not agree on the potential impact of this missense change (SIFT: "Deleterious"; PolyPhen-2: "Probably Damaging"; Align-GVGD: "Class C0"). This variant has not been reported in the literature in individuals affected with NF2-related conditions. This sequence change replaces leucine, which is neutral and non-polar, with phenylalanine, which is neutral and non-polar, at codon 539 of the NF2 protein (p.Leu539Phe).

NM_000268.4(NF2):c.1615C>T (p.Leu539Phe)

Gene: NF2 (NF2, moesin-ezrin-radixin like (MERLIN) tumor suppressor; plus strand). Cytogenetic location: 22q12.2.
Variant type: single nucleotide variant.
Coding change: c.1615C>T on transcript NM_000268.4 (MANE Select); coding-DNA position 1615, C replaced by T.
Protein change: p.Leu539Phe; replaces leucine 539 with phenylalanine.
Molecular consequence: missense variant. On other transcripts: non-coding transcript variant (1), intron variant (1).
Genome position (GRCh38, 1-based): chr22:29,681,479, C>T. VCF-style: chr22-29681479-C-T. GRCh37 (hg19) VCF-style: chr22-30077468-C-T.
Other names: c.1501C>T, p.Leu501Phe (NM_001407053.1, NM_001407056.1); c.1492C>T, p.Leu498Phe (NM_001407054.1, NM_001407058.1, NM_181829.3); c.1489C>T, p.Leu497Phe (NM_001407055.1, NM_181828.3); c.1480C>T, p.Leu494Phe (NM_001407057.1, NM_001407059.1); c.1357C>T, p.Leu453Phe (NM_001407062.1); c.1366C>T, p.Leu456Phe (NM_001407063.1, NM_181830.3, NM_181831.3); c.1081C>T, p.Leu361Phe (NM_001407065.1); c.1615C>T, p.Leu539Phe (NM_001407066.1, NM_016418.5, NM_181825.3 and 1 more transcripts); and 2 more; short protein forms L361F, L453F, L456F, L462F, L494F, L497F, L498F, L501F.
Identifiers: ClinVar variation 1714603 (VCV001714603.7), dbSNP rs2518734409, ClinGen allele CA411150080.